The following is an entry in ClinVar:

NM_152783.5(D2HGDH):c.*688G>A

Gene: D2HGDH (D-2-hydroxyglutarate dehydrogenase; plus strand). Cytogenetic location: 2q37.3.
Variant type: single nucleotide variant.
Coding change: c.*688G>A on transcript NM_152783.5 (MANE Select); 688 bases downstream of the stop codon, G replaced by A.
Molecular consequence: 3 prime UTR variant. On other transcripts: non-coding transcript variant (1).
Genome position (GRCh38, 1-based): chr2:241,768,657, G>A. VCF-style: chr2-241768657-G-A. GRCh37 (hg19) VCF-style: chr2-242708072-G-A.
Other names: c.*688G>A (NM_001287249.2, NM_001352824.2).
Identifiers: ClinVar variation 335347 (VCV000335347.6), dbSNP rs6716743, ClinGen allele CA10615031.

ClinVar aggregate classification (germline): Benign. Review status: criteria provided, multiple submitters, no conflicts (2 of 4 stars). 2 submissions from 2 submitters: Benign (2). Last evaluated 2018-01-13.

Conditions:
D-2-hydroxyglutaric aciduria 1 (D2HGA1). Identifiers: Orphanet 79315, MedGen C3152055, MONDO:0024554, OMIM 600721.

Allele frequency attached by ClinVar (database versions not stated): gnomAD exomes 0.02740; 1000 Genomes Project 0.07628; 1000 Genomes Project 30x 0.08292; gnomAD 0.08600; TOPMed 0.09264.
gnomAD v4.1: 13,114 of 152,380 alleles (8.6%); highest among the groups gnomAD compares: African/African-American, 19%; 878 homozygotes.

Submissions (2):

Illumina Laboratory Services, Illumina
Classification: Benign for D-2-hydroxyglutaric aciduria 1. Last evaluated: 2018-01-13. Review status: criteria provided, single submitter. Criteria: ICSL Variant Classification Criteria 13 December 2019. Collection method: clinical testing. Allele origin: germline.
Comment: This variant was observed in the ICSL laboratory as part of a predisposition screen in an ostensibly healthy population. It had not been previously curated by ICSL or reported in the Human Gene Mutation Database (HGMD: prior to June 1st, 2018), and was therefore a candidate for classification through an automated scoring system. Utilizing variant allele frequency, disease prevalence and penetrance estimates, and inheritance mode, an automated score was calculated to assess if this variant is too frequent to cause the disease. Based on the score and internal cut-off values, a variant classified as benign is not then subjected to further curation. The score for this variant resulted in a classification of benign for this disease.

Breakthrough Genomics
Classification: Benign. Review status: criteria provided, single submitter. Criteria: ACMG Guidelines, 2015. Collection method: not provided. Allele origin: germline. Inheritance: Autosomal recessive inheritance. Affected: yes.